The following is an entry in ClinVar:

ClinVar aggregate classification (germline): Uncertain significance (1 of 4 stars; one submission).

Submission:

Labcorp Genetics (formerly Invitae), Labcorp
Classification: Uncertain significance. Last evaluated: 2023-10-15. Review status: criteria provided, single submitter. Criteria: Invitae Variant Classification Sherloc (09022015). Collection method: clinical testing. Allele origin: germline.
Comment: This sequence change replaces histidine, which is basic and polar, with arginine, which is basic and polar, at codon 1669 of the NSD1 protein (p.His1669Arg). This variant is not present in population databases (gnomAD no frequency). This variant has not been reported in the literature in individuals affected with NSD1-related conditions. Advanced modeling of protein sequence and biophysical properties (such as structural, functional, and spatial information, amino acid conservation, physicochemical variation, residue mobility, and thermodynamic stability) performed at Invitae indicates that this missense variant is expected to disrupt NSD1 protein function. In summary, the available evidence is currently insufficient to determine the role of this variant in disease. Therefore, it has been classified as a Variant of Uncertain Significance.

NM_022455.5(NSD1):c.5006A>G (p.His1669Arg)

Gene: NSD1 (nuclear receptor binding SET domain protein 1; plus strand). Cytogenetic location: 5q35.3.
Variant type: single nucleotide variant.
Coding change: c.5006A>G on transcript NM_022455.5 (MANE Select); coding-DNA position 5006, A replaced by G.
Protein change: p.His1669Arg; replaces histidine 1669 with arginine.
Molecular consequence: missense variant.
Genome position (GRCh38, 1-based): chr5:177,260,028, A>G. VCF-style: chr5-177260028-A-G. GRCh37 (hg19) VCF-style: chr5-176687029-A-G.
Other names: c.4133A>G, p.His1378Arg (NM_001365684.2, NM_001409308.1, NM_001409309.1 and 1 more transcripts); c.5006A>G, p.His1669Arg (NM_001409301.1, NM_001409302.1, NM_001409303.1); c.4586A>G, p.His1529Arg (NM_001409304.1); c.4253A>G, p.His1418Arg (NM_001409305.1); c.4244A>G, p.His1415Arg (NM_001409306.1, NM_001409307.1); short protein forms H1415R, H1378R, H1529R, H1418R, H1669R.
Identifiers: ClinVar variation 3673475 (VCV003673475.2).
Genomic context (GRCh38, chr5:177,260,028, plus strand): 5'-TCCCTGATTTTCCTGCTTTAGGTCGGTTGATGCGCTGTGTCCGCTGTCCTGTGGCATACC[A>G]CGCCAATGACTTTTGCCTGGCTGCTGGGTCAAAGATCCTTGCATCTAATAGTATCATCTG-3'
Protein context (NP_071900.2, residues 1659-1679): MRCVRCPVAY[His1669Arg]ANDFCLAAGS